The following is an entry in ClinVar:

NM_181872.6(DMRT2):c.402C>A (p.Cys134Ter)

Gene: DMRT2 (doublesex and mab-3 related transcription factor 2; plus strand). Cytogenetic location: 9p24.3.
Variant type: single nucleotide variant.
Coding change: c.402C>A on transcript NM_181872.6 (MANE Select); coding-DNA position 402, C replaced by A.
Protein change: p.Cys134Ter; replaces cysteine 134 with a stop codon.
Molecular consequence: nonsense. On other transcripts: 5 prime UTR variant (1), non-coding transcript variant (1).
Genome position (GRCh38, 1-based): chr9:1,052,015, C>A. VCF-style: chr9-1052015-C-A. GRCh37 (hg19) VCF-style: chr9-1052015-C-A.
Other names: c.402C>A, p.Cys134Ter (NM_001130865.3, NM_001370531.1, NM_001370533.1 and 4 more transcripts); c.-249C>A (NM_001370532.1); short protein forms C134*.
Identifiers: ClinVar variation 4729154 (VCV004729154.1).

ClinVar aggregate classification (germline): Uncertain significance (1 of 4 stars; one submission).

Submission:

Labcorp Genetics (formerly Invitae), Labcorp
Classification: Uncertain significance. Last evaluated: 2025-10-19. Review status: criteria provided, single submitter. Criteria: Invitae Variant Classification Sherloc (09022015). Collection method: clinical testing. Allele origin: germline.
Comment: This sequence change creates a premature translational stop signal (p.Cys134*) in the DMRT2 gene. It is expected to result in an absent or disrupted protein product. However, the current clinical and genetic evidence is not sufficient to establish whether loss-of-function variants in DMRT2 cause disease. This variant is not present in population databases (gnomAD no frequency). This variant has not been reported in the literature in individuals affected with DMRT2-related conditions. In summary, the available evidence is currently insufficient to determine the role of this variant in disease. Therefore, it has been classified as a Variant of Uncertain Significance.